The following is an entry in ClinVar:

NM_014141.6(CNTNAP2):c.3112G>C (p.Asp1038His)

Gene: CNTNAP2 (contactin associated protein 2; plus strand). Cytogenetic location: 7q36.1.
Variant type: single nucleotide variant.
Coding change: c.3112G>C on transcript NM_014141.6 (MANE Select); coding-DNA position 3112, G replaced by C.
Protein change: p.Asp1038His; replaces aspartic acid 1038 with histidine.
Molecular consequence: missense variant.
Genome position (GRCh38, 1-based): chr7:148,217,389, G>C. VCF-style: chr7-148217389-G-C. GRCh37 (hg19) VCF-style: chr7-147914481-G-C.
Other names: short protein forms D1038H.
Identifiers: ClinVar variation 1961054 (VCV001961054.5), dbSNP rs144003410, ClinGen allele CA369929260.

ClinVar aggregate classification (germline): Uncertain significance (1 of 4 stars; one submission).

Conditions:
Cortical dysplasia-focal epilepsy syndrome (PTHSL1). Also called: Pitt-Hopkins-like syndrome 1. Identifiers: Orphanet 163681, Orphanet 221150, MedGen C2750246, MONDO:0012400, OMIM 610042.

gnomAD v4.1: 2 of 1,614,076 alleles (0.00012%); highest among the groups gnomAD compares: Non-Finnish European, 0.00017%; no homozygotes.

Submission:

Labcorp Genetics (formerly Invitae), Labcorp
Classification: Uncertain significance for Cortical dysplasia-focal epilepsy syndrome. Last evaluated: 2023-08-04. Review status: criteria provided, single submitter. Criteria: Invitae Variant Classification Sherloc (09022015). Collection method: clinical testing. Allele origin: germline.
Comment: In summary, the available evidence is currently insufficient to determine the role of this variant in disease. Therefore, it has been classified as a Variant of Uncertain Significance. An algorithm developed to predict the effect of missense changes on protein structure and function (PolyPhen-2) suggests that this variant is likely to be tolerated. ClinVar contains an entry for this variant (Variation ID: 1961054). This variant has not been reported in the literature in individuals affected with CNTNAP2-related conditions. This variant is not present in population databases (gnomAD no frequency). This sequence change replaces aspartic acid, which is acidic and polar, with histidine, which is basic and polar, at codon 1038 of the CNTNAP2 protein (p.Asp1038His).